The following is an entry in ClinVar:

ClinVar aggregate classification (germline): Uncertain significance. Review status: criteria provided, multiple submitters, no conflicts (2 of 4 stars). 2 submissions from 2 submitters: Uncertain significance (2). Last evaluated 2026-01-11.

Conditions:
Hereditary cancer-predisposing syndrome. Also called: Hereditary neoplastic syndrome; Tumor predisposition; Neoplastic Syndromes, Hereditary; Hereditary Cancer Syndrome. Identifiers: Orphanet 140162, MedGen C0027672, MeSH D009386, MONDO:0015356.
DICER1-related tumor predisposition. Also called: DICER1 syndrome; DICER1-related pleuropulmonary blastoma cancer predisposition syndrome. Identifiers: Orphanet 284343, MedGen C3839822, MONDO:0100216.

Submissions (2):

Labcorp Genetics (formerly Invitae), Labcorp
Classification: Uncertain significance for DICER1-related tumor predisposition. Last evaluated: 2026-01-11. Review status: criteria provided, single submitter. Criteria: Invitae Variant Classification Sherloc (09022015). Collection method: clinical testing. Allele origin: germline.
Comment: This sequence change replaces aspartic acid, which is acidic and polar, with glycine, which is neutral and non-polar, at codon 1795 of the DICER1 protein (p.Asp1795Gly). This variant is not present in population databases (gnomAD no frequency). This variant has not been reported in the literature in individuals affected with DICER1-related conditions. ClinVar contains an entry for this variant (Variation ID: 2451733). Invitae Evidence Modeling of protein sequence and biophysical properties (such as structural, functional, and spatial information, amino acid conservation, physicochemical variation, residue mobility, and thermodynamic stability) indicates that this missense variant is not expected to disrupt DICER1 protein function with a negative predictive value of 95%. Algorithms developed to predict the effect of sequence changes on RNA splicing suggest that this variant may disrupt the consensus splice site. In summary, the available evidence is currently insufficient to determine the role of this variant in disease. Therefore, it has been classified as a Variant of Uncertain Significance.

Ambry Genetics
Classification: Uncertain significance for Hereditary cancer-predisposing syndrome. Last evaluated: 2024-06-10. Review status: criteria provided, single submitter. Criteria: Ambry Variant Classification Scheme 2023. Collection method: clinical testing. Allele origin: germline.
Comment: The p.D1795G variant (also known as c.5384A>G), located in coding exon 24 of the DICER1 gene, results from an A to G substitution at nucleotide position 5384. The aspartic acid at codon 1795 is replaced by glycine, an amino acid with similar properties. This amino acid position is conserved. In addition, the in silico prediction for this alteration is inconclusive. Based on the available evidence, the clinical significance of this variant remains unclear.

NM_177438.3(DICER1):c.5384A>G (p.Asp1795Gly)

Gene: DICER1 (dicer 1, ribonuclease III; minus strand). Cytogenetic location: 14q32.13.
Variant type: single nucleotide variant.
Coding change: c.5384A>G on transcript NM_177438.3 (MANE Select); coding-DNA position 5384, A replaced by G.
Protein change: p.Asp1795Gly; replaces aspartic acid 1795 with glycine.
Molecular consequence: missense variant. On other transcripts: non-coding transcript variant (6), intron variant (1).
Genome position (GRCh38, 1-based): chr14:95,091,346, T>C on the plus strand (A>G on the coding strand, the complement: DICER1 is on the minus strand). VCF-style: chr14-95091346-T-C. GRCh37 (hg19) VCF-style: chr14-95557683-T-C.
Other names: c.5384A>G, p.Asp1795Gly (NM_001271282.3, NM_001291628.2, NM_001395677.1 and 8 more transcripts); c.5102A>G, p.Asp1701Gly (NM_001395686.1); c.4979A>G, p.Asp1660Gly (NM_001395687.1, NM_001395688.1, NM_001395689.1 and 1 more transcripts); c.4817A>G, p.Asp1606Gly (NM_001395691.1); c.3701A>G, p.Asp1234Gly (NM_001395697.1); c.5365-237A>G (NM_001195573.1); short protein forms D1234G, D1606G, D1660G, D1701G, D1795G.
Identifiers: ClinVar variation 2451733 (VCV002451733.6), dbSNP rs2139779372, ClinGen allele CA390864784.